The following is an entry in ClinVar:

NM_019032.6(ADAMTSL4):c.2177A>T (p.Tyr726Phe)

Genes: ADAMTSL4-AS2 (ADAMTSL4 antisense RNA 2; minus strand), ADAMTSL4 (ADAMTS like 4; plus strand). Cytogenetic location: 1q21.2.
Variant type: single nucleotide variant.
Coding change: c.2177A>T on transcript NM_019032.6 (MANE Select); coding-DNA position 2177, A replaced by T.
Protein change: p.Tyr726Phe; replaces tyrosine 726 with phenylalanine.
Molecular consequence: missense variant.
Genome position (GRCh38, 1-based): chr1:150,557,623, A>T. VCF-style: chr1-150557623-A-T. GRCh37 (hg19) VCF-style: chr1-150530099-A-T.
Other names: c.2060A>T, p.Tyr687Phe (NM_001288607.2); c.2246A>T, p.Tyr749Phe (NM_001288608.2); c.2177A>T, p.Tyr726Phe (NM_001378596.1, NM_025008.5); short protein forms Y749F, Y726F, Y687F.
Identifiers: ClinVar variation 2014076 (VCV002014076.1), dbSNP rs1251830822, ClinGen allele CA342314429.
Genomic context (GRCh38, chr1:150,557,623, plus strand): 5'-CCGCGGGTGCCAGGCCCCCAGCCTCCCCTGAACCCTGCCACGGCACCCCATGCCCCCCAT[A>T]GTGAGTATGGGGGAGCCCACGGGGAGGGTTAGGGTACTGGAAACACAGCAGTTGCCCCCA-3'
Protein context (NP_061905.2, residues 716-736): EPCHGTPCPP[Tyr726Phe]WEAGEWTSCS

ClinVar aggregate classification (germline): Uncertain significance (1 of 4 stars; one submission).

Allele frequency attached by ClinVar (database versions not stated): gnomAD 0.00001; TOPMed 0.00001.

Submission:

Labcorp Genetics (formerly Invitae), Labcorp
Classification: Uncertain significance. Last evaluated: 2022-07-04. Review status: criteria provided, single submitter. Criteria: Invitae Variant Classification Sherloc (09022015). Collection method: clinical testing. Allele origin: germline.
Comment: This sequence change replaces tyrosine, which is neutral and polar, with phenylalanine, which is neutral and non-polar, at codon 726 of the ADAMTSL4 protein (p.Tyr726Phe). This variant is not present in population databases (gnomAD no frequency). This variant has not been reported in the literature in individuals affected with ADAMTSL4-related conditions. Algorithms developed to predict the effect of missense changes on protein structure and function are either unavailable or do not agree on the potential impact of this missense change (SIFT: "Deleterious"; PolyPhen-2: "Benign"; Align-GVGD: "Class C15"). In summary, the available evidence is currently insufficient to determine the role of this variant in disease. Therefore, it has been classified as a Variant of Uncertain Significance.